The following is an entry in ClinVar:

ClinVar aggregate classification (germline): Uncertain significance (1 of 4 stars; one submission).

Conditions:
Hereditary sensory neuropathy-deafness-dementia syndrome. Also called: Hereditary Sensory and Autonomic Neuropathy Type 1E (HSAN1E); NEUROPATHY, HEREDITARY SENSORY, WITH HEARING LOSS AND DEMENTIA; HSN IE; Hereditary sensory neuropathy type IE. Identifiers: Orphanet 456318, MedGen C3279885, MONDO:0013584, OMIM 614116.

Allele frequency attached by ClinVar (database versions not stated): gnomAD 0.00005; ESP Exome Variant Server 0.00008.

Submission:

Labcorp Genetics (formerly Invitae), Labcorp
Classification: Uncertain significance for Hereditary sensory neuropathy-deafness-dementia syndrome. Last evaluated: 2023-09-23. Review status: criteria provided, single submitter. Criteria: Invitae Variant Classification Sherloc (09022015). Collection method: clinical testing. Allele origin: germline.
Comment: This variant has not been reported in the literature in individuals affected with DNMT1-related conditions. In summary, the available evidence is currently insufficient to determine the role of this variant in disease. Therefore, it has been classified as a Variant of Uncertain Significance. An algorithm developed to predict the effect of missense changes on protein structure and function (PolyPhen-2) suggests that this variant is likely to be tolerated. ClinVar contains an entry for this variant (Variation ID: 2171657). This variant is present in population databases (rs370207020, gnomAD 0.008%). This sequence change replaces proline, which is neutral and non-polar, with arginine, which is basic and polar, at codon 129 of the DNMT1 protein (p.Pro129Arg).

NM_001130823.3(DNMT1):c.386C>G (p.Pro129Arg)

Gene: DNMT1 (DNA methyltransferase 1; minus strand). Cytogenetic location: 19p13.2.
Variant type: single nucleotide variant.
Coding change: c.386C>G on transcript NM_001130823.3 (MANE Select); coding-DNA position 386, C replaced by G.
Protein change: p.Pro129Arg; replaces proline 129 with arginine.
Molecular consequence: missense variant.
Genome position (GRCh38, 1-based): chr19:10,180,409, G>C on the plus strand (C>G on the coding strand, the complement: DNMT1 is on the minus strand). VCF-style: chr19-10180409-G-C. GRCh37 (hg19) VCF-style: chr19-10291085-G-C.
Other names: c.386C>G, p.Pro129Arg (NM_001318730.2, NM_001379.4); c.23C>G, p.Pro8Arg (NM_001318731.2); short protein forms P129R, P8R.
Identifiers: ClinVar variation 2171657 (VCV002171657.4), dbSNP rs370207020, ClinGen allele CA9188772.